The following is an entry in ClinVar:

ClinVar aggregate classification (germline): Likely pathogenic (0 of 4 stars; one submission).

Conditions:
Chronic progressive multiple sclerosis. Identifiers: MedGen C0393665, MONDO:0005284.

Submission:

Demyelinating Disease Laboratories, VA Medical Center and University of Tennessee
Classification: Likely pathogenic. Review status: no assertion criteria provided. Collection method: not provided. Allele origin: somatic.
ClinVar note: Converted during submission from probable-pathogenic to Likely pathogenic.

NM_031157.4(HNRNPA1):c.943T>C (p.Phe315Leu)

Gene: HNRNPA1 (heterogeneous nuclear ribonucleoprotein A1; plus strand). Cytogenetic location: 12q13.13.
Variant type: single nucleotide variant.
Coding change: c.943T>C on transcript NM_031157.4 (MANE Select); coding-DNA position 943, T replaced by C.
Protein change: p.Phe315Leu; replaces phenylalanine 315 with leucine.
Molecular consequence: missense variant. On other transcripts: non-coding transcript variant (1).
Genome position (GRCh38, 1-based): chr12:54,283,847, T>C. VCF-style: chr12-54283847-T-C. GRCh37 (hg19) VCF-style: chr12-54677631-T-C.
Other names: c.787T>C, p.Phe263Leu (NM_002136.4); short protein forms F315L, F263L.
Identifiers: ClinVar variation 135592 (VCV000135592.2), dbSNP rs483353022, ClinGen allele CA163035.